The following is an entry in ClinVar:

NM_001783.4(CD79A):c.202C>T (p.Arg68Cys)

Genes: CD79A (CD79a molecule; plus strand), RPS19-CD79A (RPS19-CD79A readthrough; plus strand). Cytogenetic location: 19q13.2.
Variant type: single nucleotide variant.
Coding change: c.202C>T on transcript NM_001783.4 (MANE Select); coding-DNA position 202, C replaced by T.
Protein change: p.Arg68Cys; replaces arginine 68 with cysteine.
Molecular consequence: missense variant.
Genome position (GRCh38, 1-based): chr19:41,879,112, C>T. VCF-style: chr19-41879112-C-T. GRCh37 (hg19) VCF-style: chr19-42383182-C-T.
Other names: c.202C>T, p.Arg68Cys (NM_021601.4); short protein forms R68C.
Identifiers: ClinVar variation 1037005 (VCV001037005.7), dbSNP rs782657641, ClinGen allele CA9465537.

ClinVar aggregate classification (germline): Uncertain significance (1 of 4 stars; one submission).

Conditions:
Agammaglobulinemia 3, autosomal recessive (AGM3). Also called: AGAMMAGLOBULINEMIA 3; AGAMMAGLOBULINEMIA, AUTOSOMAL RECESSIVE, DUE TO CD79A DEFECT. Identifiers: MedGen C3150751, MONDO:0013288, OMIM 613501.

Allele frequency attached by ClinVar (database versions not stated): gnomAD exomes below 0.00001 and 0.00002; ExAC 0.00001.

Submission:

Labcorp Genetics (formerly Invitae), Labcorp
Classification: Uncertain significance for Agammaglobulinemia 3, autosomal recessive. Last evaluated: 2024-02-24. Review status: criteria provided, single submitter. Criteria: Invitae Variant Classification Sherloc (09022015). Collection method: clinical testing. Allele origin: germline.
Comment: This sequence change replaces arginine, which is basic and polar, with cysteine, which is neutral and slightly polar, at codon 68 of the CD79A protein (p.Arg68Cys). This variant is present in population databases (rs782657641, gnomAD 0.0009%). This variant has not been reported in the literature in individuals affected with CD79A-related conditions. ClinVar contains an entry for this variant (Variation ID: 1037005). An algorithm developed to predict the effect of missense changes on protein structure and function (PolyPhen-2) suggests that this variant is likely to be disruptive. In summary, the available evidence is currently insufficient to determine the role of this variant in disease. Therefore, it has been classified as a Variant of Uncertain Significance.